The following is an entry in ClinVar:

NM_001379286.1(ZNF423):c.280C>T (p.Arg94Trp)

Gene: ZNF423 (zinc finger protein 423; minus strand). Cytogenetic location: 16q12.1.
Variant type: single nucleotide variant.
Coding change: c.280C>T on transcript NM_001379286.1 (MANE Select); coding-DNA position 280, C replaced by T.
Protein change: p.Arg94Trp; replaces arginine 94 with tryptophan.
Molecular consequence: missense variant.
Genome position (GRCh38, 1-based): chr16:49,730,792, G>A on the plus strand (C>T on the coding strand, the complement: ZNF423 is on the minus strand). VCF-style: chr16-49730792-G-A. GRCh37 (hg19) VCF-style: chr16-49764703-G-A.
Other names: c.76C>T, p.Arg26Trp (NM_001271620.2); c.256C>T, p.Arg86Trp (NM_015069.5); short protein forms R26W, R86W, R94W.
Identifiers: ClinVar variation 1426785 (VCV001426785.8), dbSNP rs768749090, ClinGen allele CA8046925.

ClinVar aggregate classification (germline): Uncertain significance (1 of 4 stars; one submission).

Conditions:
Nephronophthisis 14 (NPHP14). Identifiers: Orphanet 2318, MedGen C3539071, MONDO:0013916, OMIM 614844.

Allele frequency attached by ClinVar (database versions not stated): gnomAD exomes 0.00002; ExAC 0.00004.
gnomAD v4.1: 14 of 1,614,206 alleles (0.00087%); highest among the groups gnomAD compares: African/African-American, 0.0013%; no homozygotes.

Submission:

Labcorp Genetics (formerly Invitae), Labcorp
Classification: Uncertain significance for Nephronophthisis 14. Last evaluated: 2022-08-02. Review status: criteria provided, single submitter. Criteria: Invitae Variant Classification Sherloc (09022015). Collection method: clinical testing. Allele origin: germline.
Comment: In summary, the available evidence is currently insufficient to determine the role of this variant in disease. Therefore, it has been classified as a Variant of Uncertain Significance. Algorithms developed to predict the effect of missense changes on protein structure and function are either unavailable or do not agree on the potential impact of this missense change (SIFT: "Deleterious"; PolyPhen-2: "Probably Damaging"; Align-GVGD: "Class C0"). ClinVar contains an entry for this variant (Variation ID: 1426785). This variant has not been reported in the literature in individuals affected with ZNF423-related conditions. This variant is present in population databases (rs768749090, gnomAD 0.007%). This sequence change replaces arginine, which is basic and polar, with tryptophan, which is neutral and slightly polar, at codon 86 of the ZNF423 protein (p.Arg86Trp).